The following is an entry in ClinVar:

ClinVar aggregate classification (germline): Uncertain significance. Review status: criteria provided, multiple submitters, no conflicts (2 of 4 stars). 3 submissions from 3 submitters: Uncertain significance (3). Last evaluated 2024-12-08.

Conditions:
Inborn genetic diseases. Identifiers: MedGen C0950123, MeSH D030342.
Mosaic variegated aneuploidy syndrome 2 (MVA2). Identifiers: Orphanet 1052, MedGen C3279843, MONDO:0013582, OMIM 614114.

Allele frequency attached by ClinVar (database versions not stated): ExAC 0.00001; gnomAD 0.00001; gnomAD exomes 0.00001; TOPMed 0.00001.
gnomAD v4.1: 6 of 1,613,056 alleles (0.00037%); highest among the groups gnomAD compares: Admixed American, 0.005%; no homozygotes.

Submissions (3):

Ambry Genetics
Classification: Uncertain significance for Inborn genetic diseases. Last evaluated: 2024-12-08. Review status: criteria provided, single submitter. Criteria: Ambry Variant Classification Scheme 2023. Collection method: clinical testing. Allele origin: germline.
Comment: The p.E160K variant (also known as c.478G>A), located in coding exon 4 of the CEP57 gene, results from a G to A substitution at nucleotide position 478. The glutamic acid at codon 160 is replaced by lysine, an amino acid with similar properties. This amino acid position is conserved. In addition, the in silico prediction for this alteration is inconclusive. Based on the available evidence, the clinical significance of this variant remains unclear.

Fulgent Genetics
Classification: Uncertain significance for Mosaic variegated aneuploidy syndrome 2. Last evaluated: 2024-01-23. Review status: criteria provided, single submitter. Criteria: ACMG Guidelines, 2015. Collection method: clinical testing. Allele origin: germline.

Labcorp Genetics (formerly Invitae), Labcorp
Classification: Uncertain significance for Mosaic variegated aneuploidy syndrome 2. Last evaluated: 2022-12-21. Review status: criteria provided, single submitter. Criteria: Invitae Variant Classification Sherloc (09022015). Collection method: clinical testing. Allele origin: germline.
Comment: In summary, the available evidence is currently insufficient to determine the role of this variant in disease. Therefore, it has been classified as a Variant of Uncertain Significance. Advanced modeling of protein sequence and biophysical properties (such as structural, functional, and spatial information, amino acid conservation, physicochemical variation, residue mobility, and thermodynamic stability) performed at Invitae indicates that this missense variant is not expected to disrupt CEP57 protein function. ClinVar contains an entry for this variant (Variation ID: 949650). This variant has not been reported in the literature in individuals affected with CEP57-related conditions. This variant is present in population databases (rs754392500, gnomAD 0.003%). This sequence change replaces glutamic acid, which is acidic and polar, with lysine, which is basic and polar, at codon 160 of the CEP57 protein (p.Glu160Lys).

NM_014679.5(CEP57):c.478G>A (p.Glu160Lys)

Gene: CEP57 (centrosomal protein 57; plus strand). Cytogenetic location: 11q21.
Variant type: single nucleotide variant.
Coding change: c.478G>A on transcript NM_014679.5 (MANE Select); coding-DNA position 478, G replaced by A.
Protein change: p.Glu160Lys; replaces glutamic acid 160 with lysine.
Molecular consequence: missense variant.
Genome position (GRCh38, 1-based): chr11:95,813,563, G>A. VCF-style: chr11-95813563-G-A. GRCh37 (hg19) VCF-style: chr11-95546727-G-A.
Other names: c.451G>A, p.Glu151Lys (NM_001243776.2); c.478G>A, p.Glu160Lys (NM_001243777.2); c.397G>A, p.Glu133Lys (NM_001363604.2); short protein forms E133K, E151K, E160K.
Identifiers: ClinVar variation 949650 (VCV000949650.9), dbSNP rs754392500, ClinGen allele CA6239483.